The following is an entry in ClinVar:

NM_152309.3(PIK3AP1):c.937G>A (p.Gly313Arg)

Gene: PIK3AP1 (phosphoinositide-3-kinase adaptor protein 1; minus strand). Cytogenetic location: 10q24.1.
Variant type: single nucleotide variant.
Coding change: c.937G>A on transcript NM_152309.3 (MANE Select); coding-DNA position 937, G replaced by A.
Protein change: p.Gly313Arg; replaces glycine 313 with arginine.
Molecular consequence: missense variant.
Genome position (GRCh38, 1-based): chr10:96,651,299, C>T on the plus strand (G>A on the coding strand, the complement: PIK3AP1 is on the minus strand). VCF-style: chr10-96651299-C-T. GRCh37 (hg19) VCF-style: chr10-98411056-C-T.
Other names: short protein forms G313R.
Identifiers: ClinVar variation 862410 (VCV000862410.9), dbSNP rs1280519942, ClinGen allele CA377746190.

ClinVar aggregate classification (germline): Uncertain significance (1 of 4 stars; one submission).

Conditions:
Infantile spasms. Also called: Infantile spasm. Identifiers: MedGen C3887898, HP:0012469.

Allele frequency attached by ClinVar (database versions not stated): gnomAD exomes below 0.00001 and 0.00001; TOPMed below 0.00001; gnomAD 0.00001.

Submission:

Labcorp Genetics (formerly Invitae), Labcorp
Classification: Uncertain significance for Infantile spasms. Last evaluated: 2025-07-06. Review status: criteria provided, single submitter. Criteria: Invitae Variant Classification Sherloc (09022015). Collection method: clinical testing. Allele origin: germline.
Comment: This sequence change replaces glycine, which is neutral and non-polar, with arginine, which is basic and polar, at codon 313 of the PIK3AP1 protein (p.Gly313Arg). This variant is present in population databases (no rsID available, gnomAD 0.004%). This variant has not been reported in the literature in individuals affected with PIK3AP1-related conditions. ClinVar contains an entry for this variant (Variation ID: 862410). An algorithm developed to predict the effect of missense changes on protein structure and function (PolyPhen-2) suggests that this variant is likely to be disruptive. In summary, the available evidence is currently insufficient to determine the role of this variant in disease. Therefore, it has been classified as a Variant of Uncertain Significance.